The following is an entry in ClinVar:

NM_000548.5(TSC2):c.1716+4G>T

Gene: TSC2 (TSC complex subunit 2; plus strand). Cytogenetic location: 16p13.3.
Variant type: single nucleotide variant.
Coding change: c.1716+4G>T on transcript NM_000548.5 (MANE Select); 4 bases into the intron after coding-DNA position 1716, G replaced by T.
Molecular consequence: intron variant.
Genome position (GRCh38, 1-based): chr16:2,065,639, G>T. VCF-style: chr16-2065639-G-T. GRCh37 (hg19) VCF-style: chr16-2115640-G-T.
Other names: c.1806+4G>T (NM_001406667.1, NM_001406668.1); c.1116+4G>T (NM_001406680.1, NM_001406683.1, NM_001406687.1 and 6 more transcripts); c.372+4G>T (NM_001406693.1, NM_001406689.1, NM_001406690.1 and 6 more transcripts); c.114+4G>T (NM_001406698.1); c.1716+4G>T (NM_001114382.3, NM_001406663.1, NM_001406664.1 and 6 more transcripts); c.1704+4G>T (NM_001406671.1, NM_001406673.1); c.1254+4G>T (NM_001406681.1); c.1605+4G>T (NM_001406670.1, NM_001318827.2, NM_001406678.1); and 3 more.
Identifiers: ClinVar variation 3641059 (VCV003641059.2).

ClinVar aggregate classification (germline): Uncertain significance (1 of 4 stars; one submission).

Conditions:
Tuberous sclerosis 2 (TSC2). Identifiers: Orphanet 805, MedGen C1860707, MONDO:0013199, OMIM 613254.

Submission:

Labcorp Genetics (formerly Invitae), Labcorp
Classification: Uncertain significance for Tuberous sclerosis 2. Last evaluated: 2024-02-15. Review status: criteria provided, single submitter. Criteria: Invitae Variant Classification Sherloc (09022015). Collection method: clinical testing. Allele origin: germline.
Comment: This sequence change falls in intron 16 of the TSC2 gene. It does not directly change the encoded amino acid sequence of the TSC2 protein. It affects a nucleotide within the consensus splice site. This variant is not present in population databases (gnomAD no frequency). This variant has not been reported in the literature in individuals affected with TSC2-related conditions. Variants that disrupt the consensus splice site are a relatively common cause of aberrant splicing (PMID: 17576681, 9536098). Algorithms developed to predict the effect of sequence changes on RNA splicing suggest that this variant is not likely to affect RNA splicing. In summary, the available evidence is currently insufficient to determine the role of this variant in disease. Therefore, it has been classified as a Variant of Uncertain Significance.

Literature cited by the submitters: PubMed 17576681; PubMed 9536098.